The following is an entry in ClinVar:

ClinVar aggregate classification (germline): Uncertain significance (1 of 4 stars; one submission).

Conditions:
Hypertrophic cardiomyopathy 14. Identifiers: MedGen C2750467, MONDO:0013197, OMIM 613251.

Submission:

3billion
Classification: Uncertain significance for Hypertrophic cardiomyopathy 14. Last evaluated: 2024-09-09. Review status: criteria provided, single submitter. Criteria: ACMG Guidelines, 2015. Collection method: clinical testing. Allele origin: germline. Affected: yes.
Comment: The variant is not observed in the gnomAD v4.0.0 dataset. Predicted Consequence/Location: Missense variant In silico tool predictions suggest damaging effect of the variant on gene or gene product [REVEL: 0.84 (>=0.6, sensitivity 0.68 and specificity 0.92)]. Different missensechanges at the same codon have been reported as of uncertain significance (ClinVar ID: VCV001741018, VCV000935896, VCV001511649). Therefore, this variant is classified as VUS according to the recommendation of ACMG/AMP guideline.

NM_002471.4(MYH6):c.448G>C (p.Ala150Pro)

Genes: MYH6 (myosin heavy chain 6; minus strand), LOC114827851 (VISTA enhancer hs2155; plus strand). Cytogenetic location: 14q11.2.
Variant type: single nucleotide variant.
Coding change: c.448G>C on transcript NM_002471.4 (MANE Select); coding-DNA position 448, G replaced by C.
Protein change: p.Ala150Pro; replaces alanine 150 with proline.
Molecular consequence: missense variant.
Genome position (GRCh38, 1-based): chr14:23,405,277, C>G on the plus strand (G>C on the coding strand, the complement: MYH6 is on the minus strand). VCF-style: chr14-23405277-C-G. GRCh37 (hg19) VCF-style: chr14-23874486-C-G.
Other names: short protein forms A150P.
Identifiers: ClinVar variation 4293954 (VCV004293954.1).